The following is an entry in ClinVar:

NM_032043.3(BRIP1):c.977A>G (p.Gln326Arg)

Gene: BRIP1 (BRCA1 interacting DNA helicase 1; minus strand). Cytogenetic location: 17q23.2.
Variant type: single nucleotide variant.
Coding change: c.977A>G on transcript NM_032043.3 (MANE Select); coding-DNA position 977, A replaced by G.
Protein change: p.Gln326Arg; replaces glutamine 326 with arginine.
Molecular consequence: missense variant.
Genome position (GRCh38, 1-based): chr17:61,801,416, T>C on the plus strand (A>G on the coding strand, the complement: BRIP1 is on the minus strand). VCF-style: chr17-61801416-T-C. GRCh37 (hg19) VCF-style: chr17-59878777-T-C.
Other names: short protein forms Q326R.
Identifiers: ClinVar variation 419691 (VCV000419691.7), dbSNP rs1064794046, ClinGen allele CA16620539.

ClinVar aggregate classification (germline): Uncertain significance. Review status: criteria provided, multiple submitters, no conflicts (2 of 4 stars). 3 submissions from 3 submitters: Uncertain significance (3). Last evaluated 2023-07-27.

Conditions:
Hereditary cancer-predisposing syndrome. Also called: Hereditary neoplastic syndrome; Hereditary Cancer Syndrome; Neoplastic Syndromes, Hereditary; Tumor predisposition. Identifiers: Orphanet 140162, MedGen C0027672, MeSH D009386, MONDO:0015356.
Fanconi anemia complementation group J. Also called: BRIP1-Related Fanconi Anemia. Identifiers: Orphanet 84, MedGen C1836860, MONDO:0012187, OMIM 609054.
Familial cancer of breast. Also called: hereditary breast carcinoma; Hereditary breast cancer; BREAST CANCER, FAMILIAL. Identifiers: Orphanet 227535, MedGen C0346153, MONDO:0016419, OMIM 114480. Disease mechanism: loss of function.

Submissions (3):

Ambry Genetics
Classification: Uncertain significance for Hereditary cancer-predisposing syndrome. Last evaluated: 2023-07-27. Review status: criteria provided, single submitter. Criteria: Ambry Variant Classification Scheme 2023. Collection method: clinical testing. Allele origin: germline.
Comment: The p.Q326R variant (also known as c.977A>G), located in coding exon 7 of the BRIP1 gene, results from an A to G substitution at nucleotide position 977. The glutamine at codon 326 is replaced by arginine, an amino acid with highly similar properties. This amino acid position is conserved. In addition, the in silico prediction for this alteration is inconclusive. Since supporting evidence is limited at this time, the clinical significance of this alteration remains unclear.

Labcorp Genetics (formerly Invitae), Labcorp
Classification: Uncertain significance for Familial cancer of breast; Fanconi anemia complementation group J. Last evaluated: 2023-03-22. Review status: criteria provided, single submitter. Criteria: Invitae Variant Classification Sherloc (09022015). Collection method: clinical testing. Allele origin: germline.
Comment: This sequence change replaces glutamine, which is neutral and polar, with arginine, which is basic and polar, at codon 326 of the BRIP1 protein (p.Gln326Arg). This variant is not present in population databases (gnomAD no frequency). This variant has not been reported in the literature in individuals affected with BRIP1-related conditions. ClinVar contains an entry for this variant (Variation ID: 419691). Advanced modeling of protein sequence and biophysical properties (such as structural, functional, and spatial information, amino acid conservation, physicochemical variation, residue mobility, and thermodynamic stability) performed at Invitae indicates that this missense variant is not expected to disrupt BRIP1 protein function. In summary, the available evidence is currently insufficient to determine the role of this variant in disease. Therefore, it has been classified as a Variant of Uncertain Significance.

GeneDx
Classification: Uncertain significance. Last evaluated: 2015-08-19. Review status: criteria provided, single submitter. Criteria: GeneDx Variant Classification (06012015). Collection method: clinical testing. Allele origin: germline. Affected: yes.
Comment: This variant is denoted BRIP1 c.977A>G at the cDNA level, p.Gln326Arg (Q326R) at the protein level, and results in the change of a Glutamine to an Arginine (CAG>CGG). This variant has not, to our knowledge, been published in the literature as pathogenic or benign. BRIP1 Gln326Arg was not observed in approximately 6,500 individuals of European and African American ancestry in the NHLBI Exome Sequencing Project, indicating it is not a common benign variant in these populations. Since Glutamine and Arginine differ in some properties, this is considered a semi-conservative amino acid substitution. BRIP1 Gln326Arg occurs at a position that is conserved in mammals and is located in the helicase ATP-binding domain (UniProt). In silico analyses predict that this variant is probably damaging to protein structure and function. Based on currently available information, it is unclear whether BRIP1 Gln326Arg is pathogenic or benign. We consider it to be a variant of uncertain significance.